The following is an entry in ClinVar:

NM_001692.4(ATP6V1B1):c.317G>A (p.Cys106Tyr)

Gene: ATP6V1B1 (ATPase H+ transporting V1 subunit B1; plus strand). Cytogenetic location: 2p13.3.
Variant type: single nucleotide variant.
Coding change: c.317G>A on transcript NM_001692.4 (MANE Select); coding-DNA position 317, G replaced by A.
Protein change: p.Cys106Tyr; replaces cysteine 106 with tyrosine.
Molecular consequence: missense variant.
Genome position (GRCh38, 1-based): chr2:70,958,376, G>A. VCF-style: chr2-70958376-G-A. GRCh37 (hg19) VCF-style: chr2-71185506-G-A.
Other names: short protein forms C106Y.
Identifiers: ClinVar variation 162760 (VCV000162760.5), dbSNP rs727502893, ClinGen allele CA175270.

ClinVar aggregate classification (germline): Uncertain significance. Review status: criteria provided, multiple submitters, no conflicts (2 of 4 stars). 2 submissions from 2 submitters: Uncertain significance (2). Last evaluated 2024-03-25.

Conditions:
Renal tubular acidosis with progressive nerve deafness. Also called: Distal Renal Tubular Acidosis with Progressive Sensorineural Deafness; RENAL TUBULAR ACIDOSIS, AUTOSOMAL RECESSIVE, WITH PROGRESSIVE NERVE DEAFNESS; RTA WITH PROGRESSIVE NERVE DEAFNESS; renal tubular acidosis, distal, 2, with progressive sensorineural hearing loss. Identifiers: MedGen C0403554, MONDO:0009968, OMIM 267300.

Submissions (2):

Genomic Medicine Center of Excellence, King Faisal Specialist Hospital and Research Centre
Classification: Uncertain significance for Renal tubular acidosis with progressive nerve deafness. Last evaluated: 2024-03-25. Review status: criteria provided, single submitter. Criteria: ACMG Guidelines, 2015. Collection method: clinical testing. Allele origin: germline.

Laboratory for Molecular Medicine, Mass General Brigham Personalized Medicine
Classification: Uncertain significance. Last evaluated: 2014-08-19. Review status: criteria provided, single submitter. Criteria: LMM Criteria. Collection method: clinical testing. Allele origin: germline. Observed: 1 variant allele.
Comment: The Cys106Tyr variant in ATP6V1B1 has not been previously reported in individual s with hearing loss or in large population studies. Computational prediction to ols and conservation analyses suggest that the Cys106Tyr variant may impact the protein, though this information is not predictive enough to determine pathogeni city. In summary, the clinical significance of this variant is uncertain.